The following is an entry in ClinVar:

NM_000836.4(GRIN2D):c.3490G>A (p.Gly1164Arg)

Gene: GRIN2D (glutamate ionotropic receptor NMDA type subunit 2D; plus strand). Cytogenetic location: 19q13.33.
Variant type: single nucleotide variant.
Coding change: c.3490G>A on transcript NM_000836.4 (MANE Select); coding-DNA position 3490, G replaced by A.
Protein change: p.Gly1164Arg; replaces glycine 1164 with arginine.
Molecular consequence: missense variant.
Genome position (GRCh38, 1-based): chr19:48,443,416, G>A. VCF-style: chr19-48443416-G-A. GRCh37 (hg19) VCF-style: chr19-48946673-G-A.
Other names: short protein forms G1164R.
Identifiers: ClinVar variation 1507700 (VCV001507700.8), dbSNP rs747045258, ClinGen allele CA9550862.

ClinVar aggregate classification (germline): Uncertain significance (1 of 4 stars; one submission).

Allele frequency attached by ClinVar (database versions not stated): gnomAD exomes 0.00002; ExAC 0.00010.
gnomAD v4.1: 5 of 1,403,164 alleles (0.00036%); highest among the groups gnomAD compares: Non-Finnish European, 0.00046%; no homozygotes.

Submission:

Labcorp Genetics (formerly Invitae), Labcorp
Classification: Uncertain significance. Last evaluated: 2023-08-04. Review status: criteria provided, single submitter. Criteria: Invitae Variant Classification Sherloc (09022015). Collection method: clinical testing. Allele origin: germline.
Comment: In summary, the available evidence is currently insufficient to determine the role of this variant in disease. Therefore, it has been classified as a Variant of Uncertain Significance. Advanced modeling of protein sequence and biophysical properties (such as structural, functional, and spatial information, amino acid conservation, physicochemical variation, residue mobility, and thermodynamic stability) performed at Invitae indicates that this missense variant is not expected to disrupt GRIN2D protein function. ClinVar contains an entry for this variant (Variation ID: 1507700). This variant has not been reported in the literature in individuals affected with GRIN2D-related conditions. The frequency data for this variant in the population databases is considered unreliable, as metrics indicate poor data quality at this position in the gnomAD database. This sequence change replaces glycine, which is neutral and non-polar, with arginine, which is basic and polar, at codon 1164 of the GRIN2D protein (p.Gly1164Arg).